The following is an entry in ClinVar:

NM_017565.4(FAM20A):c.1109+3_1109+7delinsTGGTC

Genes: FAM20A (FAM20A golgi associated secretory pathway pseudokinase; minus strand), PRKAR1A (protein kinase cAMP-dependent type I regulatory subunit alpha; plus strand). Cytogenetic location: 17q24.2.
Variant type: Indel.
Coding change: c.1109+3_1109+7delinsTGGTC on transcript NM_017565.4 (MANE Select); bases 3 to 7 of the intron after coding-DNA position 1109, GAGTT replaced by TGGTC.
Molecular consequence: intron variant.
Genome position (GRCh38, 1-based): chr17:68,541,978-68,541,982, AACTC replaced by GACCA on the plus strand (GAGTT replaced by TGGTC on the coding strand, the reverse complement: FAM20A is on the minus strand). VCF-style: chr17-68541978-AACTC-GACCA. GRCh37 (hg19) VCF-style: chr17-66538119-AACTC-GACCA.
Other names: c.974-9106_974-9102delinsGACCA (NM_001276290.1); c.695+3_695+7delinsTGGTC (NM_001243746.2).
Identifiers: ClinVar variation 1691422 (VCV001691422.3), dbSNP rs2143495812, ClinGen allele CA2573154764.
Genomic context (GRCh38, chr17:68,541,978, plus strand): 5'-AAGTCCCTGGTACAGGGTCTGTGGCTACTGTCAAGGACTGGGCTGTGTGGCCTGGGGACC[AACTC>GACCA]ACTCCTCTTTTCCTGCCAGTGTGTAGGAGCGGATCCAGGGGTTGGGCACAGACAGCCTGG-3'

ClinVar aggregate classification (germline): Pathogenic (1 of 4 stars; one submission).

Conditions:
Amelogenesis imperfecta type 1G (AI1G). Also called: Amelogenesis imperfecta hypoplastic type, IG; Amelogenesis imperfecta and nephrocalcinosis; Amelogenesis imperfecta nephrocalcinosis; Enamel renal syndrome; Absent enamel, nephrocalcinosis and apparently normal calcium metabolism; Generalized enamel hypoplasia and renal dysfunction. Identifiers: Orphanet 1031, Orphanet 171836, MedGen C2931783, MONDO:0008771, OMIM 204690. Disease mechanism: loss of function.

Submission:

Center of Excellence in Precision Medicine and Digital Health (CEPMDH), Faculty of Dentistry, Chulalongkorn University
Classification: Pathogenic for Amelogenesis imperfecta type 1G. Review status: criteria provided, single submitter. Criteria: ACMG Guidelines, 2015. Collection method: clinical testing. Allele origin: maternal, germline. Inheritance: Autosomal recessive inheritance. Affected: yes and no. Observed: 2 variant alleles, 1 heterozygote, 1 compound heterozygote.
Comment: This variant was classified as pathogenic by ACMG guidelines.

Literature cited by the submitters: PubMed 30120606.